The following is an entry in ClinVar:

ClinVar aggregate classification (germline): Uncertain significance (1 of 4 stars; one submission).

Conditions:
Mowat-Wilson syndrome (MOWS). Also called: Classic Mowat-Wilson Syndrome. Identifiers: Orphanet 2152, MedGen C1856113, MONDO:0009341, OMIM 235730.

Allele frequency attached by ClinVar (database versions not stated): TOPMed 0.00002; 1000 Genomes Project 30x 0.00016; 1000 Genomes Project 0.00020; gnomAD exomes below 0.00001 and 0.00001; ExAC 0.00001; gnomAD 0.00001.
gnomAD v4.1: 3 of 1,613,806 alleles (0.00019%); highest among the groups gnomAD compares: African/African-American, 0.004%; no homozygotes.

Submission:

Labcorp Genetics (formerly Invitae), Labcorp
Classification: Uncertain significance for Mowat-Wilson syndrome. Last evaluated: 2025-06-29. Review status: criteria provided, single submitter. Criteria: Invitae Variant Classification Sherloc (09022015). Collection method: clinical testing. Allele origin: germline.
Comment: This sequence change replaces serine, which is neutral and polar, with cysteine, which is neutral and slightly polar, at codon 61 of the ZEB2 protein (p.Ser61Cys). This variant is present in population databases (rs535673534, gnomAD 0.02%). This variant has not been reported in the literature in individuals affected with ZEB2-related conditions. ClinVar contains an entry for this variant (Variation ID: 1404810). Invitae Evidence Modeling of protein sequence and biophysical properties (such as structural, functional, and spatial information, amino acid conservation, physicochemical variation, residue mobility, and thermodynamic stability) indicates that this missense variant is not expected to disrupt ZEB2 protein function with a negative predictive value of 80%. In summary, the available evidence is currently insufficient to determine the role of this variant in disease. Therefore, it has been classified as a Variant of Uncertain Significance.

NM_014795.4(ZEB2):c.181A>T (p.Ser61Cys)

Gene: ZEB2 (zinc finger E-box binding homeobox 2; minus strand). Cytogenetic location: 2q22.3.
Variant type: single nucleotide variant.
Coding change: c.181A>T on transcript NM_014795.4 (MANE Select); coding-DNA position 181, A replaced by T.
Protein change: p.Ser61Cys; replaces serine 61 with cysteine.
Molecular consequence: missense variant.
Genome position (GRCh38, 1-based): chr2:144,429,919, T>A on the plus strand (A>T on the coding strand, the complement: ZEB2 is on the minus strand). VCF-style: chr2-144429919-T-A. GRCh37 (hg19) VCF-style: chr2-145187486-T-A.
Other names: c.181A>T, p.Ser61Cys (NM_001171653.2); short protein forms S61C.
Identifiers: ClinVar variation 1404810 (VCV001404810.8), dbSNP rs535673534, ClinGen allele CA1898589.